The following is an entry in ClinVar:

ClinVar aggregate classification (germline): Pathogenic (1 of 4 stars; one submission).

Conditions:
Familial thoracic aortic aneurysm and aortic dissection (TAAD). Also called: Thoracic aortic aneurysms and dissections. Identifiers: Orphanet 91387, MedGen C4707243, MONDO:0019625.
Marfan syndrome (MFS). Also called: MARFAN SYNDROME, TYPE I; Marfan syndrome type 1; Marfan's syndrome; Marfan syndrome, classic; FBN1-Related Marfan Syndrome. Identifiers: Orphanet 284963, Orphanet 558, MedGen C0024796, MONDO:0007947, OMIM 154700.

Submission:

Labcorp Genetics (formerly Invitae), Labcorp
Classification: Pathogenic for Marfan syndrome; Familial thoracic aortic aneurysm and aortic dissection. Last evaluated: 2022-03-11. Review status: criteria provided, single submitter. Criteria: Invitae Variant Classification Sherloc (09022015). Collection method: clinical testing. Allele origin: germline.
Comment: For these reasons, this variant has been classified as Pathogenic. This variant has not been reported in the literature in individuals affected with FBN1-related conditions. This variant is not present in population databases (gnomAD no frequency). This sequence change creates a premature translational stop signal (p.Gly218Alafs*112) in the FBN1 gene. It is expected to result in an absent or disrupted protein product. Loss-of-function variants in FBN1 are known to be pathogenic (PMID: 17657824, 19293843).

Literature cited by the submitters: PubMed 17657824; PubMed 19293843.

NM_000138.5(FBN1):c.653del (p.Gly218fs)

Gene: FBN1 (fibrillin 1; minus strand). Cytogenetic location: 15q21.1.
Variant type: Deletion.
Coding change: c.653del on transcript NM_000138.5 (MANE Select); coding-DNA position 653, one base deleted (G; older notation c.653delG).
Protein change: p.Gly218fs; shifts the reading frame from glycine 218.
Molecular consequence: frameshift variant.
Genome position (GRCh38, 1-based): chr15:48,537,694, C deleted on the plus strand (G on the coding strand, the reverse complement: FBN1 is on the minus strand); the first of 4 consecutive C bases (chr15:48,537,694-48,537,697); deleting any one gives the same sequence. VCF-style (leftmost placement, unchanged base first): chr15-48537693-GC-G. GRCh37 (hg19) VCF-style: chr15-48829890-GC-G.
Other names: c.650delG, p.Gly218Alafs (NM_001406716.1, NM_001406717.1); short protein forms G218fs.
Identifiers: ClinVar variation 2108705 (VCV002108705.4), dbSNP rs2505661362, ClinGen allele CA2580089603.